The following is an entry in ClinVar:

ClinVar aggregate classification (germline): Uncertain significance (1 of 4 stars; one submission).

Allele frequency attached by ClinVar (database versions not stated): gnomAD 0.00001.
gnomAD v4.1: 1 of 1,614,072 alleles (0.000062%); no homozygotes.

Submission:

Labcorp Genetics (formerly Invitae), Labcorp
Classification: Uncertain significance. Last evaluated: 2023-12-06. Review status: criteria provided, single submitter. Criteria: Invitae Variant Classification Sherloc (09022015). Collection method: clinical testing. Allele origin: germline.
Comment: This sequence change replaces lysine, which is basic and polar, with arginine, which is basic and polar, at codon 1595 of the C3 protein (p.Lys1595Arg). This variant is present in population databases (no rsID available, gnomAD 0.03%). This variant has not been reported in the literature in individuals affected with C3-related conditions. ClinVar contains an entry for this variant (Variation ID: 2099778). Advanced modeling of protein sequence and biophysical properties (such as structural, functional, and spatial information, amino acid conservation, physicochemical variation, residue mobility, and thermodynamic stability) performed at Invitae indicates that this missense variant is not expected to disrupt C3 protein function with a negative predictive value of 80%. In summary, the available evidence is currently insufficient to determine the role of this variant in disease. Therefore, it has been classified as a Variant of Uncertain Significance.

NM_000064.4(C3):c.4784A>G (p.Lys1595Arg)

Gene: C3 (complement C3; minus strand). Cytogenetic location: 19p13.3.
Variant type: single nucleotide variant.
Coding change: c.4784A>G on transcript NM_000064.4 (MANE Select); coding-DNA position 4784, A replaced by G.
Protein change: p.Lys1595Arg; replaces lysine 1595 with arginine.
Molecular consequence: missense variant.
Genome position (GRCh38, 1-based): chr19:6,678,218, T>C on the plus strand (A>G on the coding strand, the complement: C3 is on the minus strand). VCF-style: chr19-6678218-T-C. GRCh37 (hg19) VCF-style: chr19-6678229-T-C.
Other names: short protein forms K1595R.
Identifiers: ClinVar variation 2099778 (VCV002099778.4), dbSNP rs1298858967, ClinGen allele CA403610988.